The following is an entry in ClinVar:

NM_024589.3(ROGDI):c.485C>A (p.Thr162Asn)

Gene: ROGDI (rogdi atypical leucine zipper; minus strand). Cytogenetic location: 16p13.3.
Variant type: single nucleotide variant.
Coding change: c.485C>A on transcript NM_024589.3 (MANE Select); coding-DNA position 485, C replaced by A.
Protein change: p.Thr162Asn; replaces threonine 162 with asparagine.
Molecular consequence: missense variant. On other transcripts: non-coding transcript variant (1).
Genome position (GRCh38, 1-based): chr16:4,798,615, G>T on the plus strand (C>A on the coding strand, the complement: ROGDI is on the minus strand). VCF-style: chr16-4798615-G-T. GRCh37 (hg19) VCF-style: chr16-4848616-G-T.
Other names: c.485C>A (NM_024589.1); short protein forms T162N.
Identifiers: ClinVar variation 576050 (VCV000576050.5), dbSNP rs754416466, ClinGen allele CA7882693.

ClinVar aggregate classification (germline): Uncertain significance. Review status: criteria provided, multiple submitters, no conflicts (2 of 4 stars). 2 submissions from 2 submitters: Uncertain significance (2). Last evaluated 2022-07-25.

Conditions:
Inborn genetic diseases. Identifiers: MedGen C0950123, MeSH D030342.
Amelocerebrohypohidrotic syndrome (KTZS). Also called: KOHLSCHUTTER SYNDROME; EPILEPSY AND YELLOW TEETH; EPILEPSY, DEMENTIA, AND AMELOGENESIS IMPERFECTA; Kohlschutter's syndrome. Identifiers: Orphanet 1946, MedGen C0406740, MONDO:0009185, OMIM 226750.

Allele frequency attached by ClinVar (database versions not stated): gnomAD 0.00005 and 0.00006; TOPMed 0.00013.
gnomAD v4.1: 18 of 1,575,574 alleles (0.0011%); highest among the groups gnomAD compares: African/African-American, 0.017%; no homozygotes.

Submissions (2):

Labcorp Genetics (formerly Invitae), Labcorp
Classification: Uncertain significance for Amelocerebrohypohidrotic syndrome. Last evaluated: 2022-07-25. Review status: criteria provided, single submitter. Criteria: Invitae Variant Classification Sherloc (09022015). Collection method: clinical testing. Allele origin: germline.
Comment: This sequence change replaces threonine, which is neutral and polar, with asparagine, which is neutral and polar, at codon 162 of the ROGDI protein (p.Thr162Asn). The frequency data for this variant in the population databases is considered unreliable, as metrics indicate poor data quality at this position in the gnomAD database. This variant has not been reported in the literature in individuals affected with ROGDI-related conditions. ClinVar contains an entry for this variant (Variation ID: 576050). Algorithms developed to predict the effect of missense changes on protein structure and function are either unavailable or do not agree on the potential impact of this missense change (SIFT: "Deleterious"; PolyPhen-2: "Possibly Damaging"; Align-GVGD: "Class C0"). In summary, the available evidence is currently insufficient to determine the role of this variant in disease. Therefore, it has been classified as a Variant of Uncertain Significance.

Ambry Genetics
Classification: Uncertain significance for Inborn genetic diseases. Last evaluated: 2021-07-15. Review status: criteria provided, single submitter. Criteria: Ambry Variant Classification Scheme 2023. Collection method: clinical testing. Allele origin: germline.